The following is an entry in ClinVar:

ClinVar aggregate classification (germline): Likely benign (1 of 4 stars; one submission).

Submission:

GeneDx
Classification: Likely benign. Last evaluated: 2017-06-26. Review status: criteria provided, single submitter. Criteria: GeneDx Variant Classification (06012015). Collection method: clinical testing. Allele origin: germline. Affected: yes.
Comment: This variant is considered likely benign or benign based on one or more of the following criteria: it is a conservative change, it occurs at a poorly conserved position in the protein, it is predicted to be benign by multiple in silico algorithms, and/or has population frequency not consistent with disease.

NM_001347721.2(DYRK1A):c.638-8T>G

Gene: DYRK1A (dual specificity tyrosine phosphorylation regulated kinase 1A; plus strand). Cytogenetic location: 21q22.13.
Variant type: single nucleotide variant.
Coding change: c.638-8T>G on transcript NM_001347721.2 (MANE Select); 8 bases into the intron before coding-DNA position 638, T replaced by G.
Molecular consequence: intron variant.
Genome position (GRCh38, 1-based): chr21:37,490,167, T>G. VCF-style: chr21-37490167-T-G. GRCh37 (hg19) VCF-style: chr21-38862469-T-G.
Other names: c.665-8T>G (NM_001396.5, NM_101395.2, NM_130438.2); c.638-8T>G (NM_001347722.2, NM_130436.2); c.551-8T>G (NM_001347723.2).
Identifiers: ClinVar variation 518182 (VCV000518182.1), dbSNP rs1555984066, ClinGen allele CA658799436.
Genomic context (GRCh38, chr21:37,490,167, plus strand): 5'-GTGCATGTGTTTGTTACTCTCAGTTTATTGGTATATATAATTTAAAATGAAACTGTTTTC[T>G]CTTTCAGTGCATTTGAAACGCCACTTTATGTTTCGAAACCATCTCTGTTTAGTTTTTGAA-3'